The following is an entry in ClinVar:

ClinVar aggregate classification (germline): Uncertain significance (1 of 4 stars; one submission).

Conditions:
Polyglandular autoimmune syndrome, type 1 (APS1). Also called: AUTOIMMUNE POLYENDOCRINE SYNDROME, TYPE I, WITH OR WITHOUT REVERSIBLE METAPHYSEAL DYSPLASIA; APS I; Autoimmune polyendocrinopathy syndrome, type I; HYPOADRENOCORTICISM WITH HYPOPARATHYROIDISM AND SUPERFICIAL MONILIASIS; PGA I; Autoimmune polyendocrine syndrome type 1. Identifiers: Orphanet 3453, MedGen C0085859, MONDO:0009411, OMIM 240300.

Submission:

Labcorp Genetics (formerly Invitae), Labcorp
Classification: Uncertain significance for Polyglandular autoimmune syndrome, type 1. Last evaluated: 2026-01-19. Review status: criteria provided, single submitter. Criteria: Invitae Variant Classification Sherloc (09022015). Collection method: clinical testing. Allele origin: germline.
Comment: This sequence change replaces arginine, which is basic and polar, with cysteine, which is neutral and slightly polar, at codon 89 of the AIRE protein (p.Arg89Cys). This variant is present in population databases (rs752065208, gnomAD 0.02%). This variant has not been reported in the literature in individuals affected with AIRE-related conditions. Invitae Evidence Modeling of protein sequence and biophysical properties (such as structural, functional, and spatial information, amino acid conservation, physicochemical variation, residue mobility, and thermodynamic stability) has been performed for this missense variant. However, the output from this modeling did not meet the statistical confidence thresholds required to predict the impact of this variant on AIRE protein function. In summary, the available evidence is currently insufficient to determine the role of this variant in disease. Therefore, it has been classified as a Variant of Uncertain Significance.

NM_000383.4(AIRE):c.265C>T (p.Arg89Cys)

Gene: AIRE (autoimmune regulator; plus strand). Cytogenetic location: 21q22.3.
Variant type: single nucleotide variant.
Coding change: c.265C>T on transcript NM_000383.4 (MANE Select); coding-DNA position 265, C replaced by T.
Protein change: p.Arg89Cys; replaces arginine 89 with cysteine.
Molecular consequence: missense variant.
Genome position (GRCh38, 1-based): chr21:44,286,689, C>T. VCF-style: chr21-44286689-C-T. GRCh37 (hg19) VCF-style: chr21-45706572-C-T.
Other names: short protein forms R89C.
Identifiers: ClinVar variation 4799520 (VCV004799520.1).